The following is an entry in ClinVar:

ClinVar aggregate classification (germline): Uncertain significance (1 of 4 stars; one submission).

Conditions:
Colorectal cancer, susceptibility to, 1. Also called: COLORECTAL ADENOMA AND CANCER, SUSCEPTIBILITY TO; COLORECTAL CANCER, SUSCEPTIBILITY TO, ON CHROMOSOME 9. Identifiers: MedGen C1837315, MONDO:0012132, OMIM 608812.

Submission:

Neuberg Centre For Genomic Medicine, NCGM
Classification: Uncertain significance for Colorectal cancer, susceptibility to, 1. Last evaluated: 2024-02-01. Review status: criteria provided, single submitter. Criteria: ACMG Guidelines, 2015. Collection method: clinical testing. Allele origin: germline. Inheritance: Autosomal dominant inheritance.
Comment: The frameshift variant c.771del (p.Ile257MetfsTer3) in the GALNT12 gene has not been reported previously as a pathogenic variant nor as a benign variant, to our knowledge. The variant is absent in the gnomAD Exomes. This variant causes a frameshift starting with codon Isoleucine 257, changes this amino acid to Methionine residue, and creates a premature Stop codon at position 3 of the new reading frame. Loss of function variants have been reported (Guda et al., 2009) but have not been established as a disease mechanism of action due to limited number of individuals reported. For these reasons, this variant has been classified as Uncertain Significance

NM_024642.5(GALNT12):c.771del (p.Ile257fs)

Gene: GALNT12 (polypeptide N-acetylgalactosaminyltransferase 12; plus strand). Cytogenetic location: 9q22.33.
Variant type: Deletion.
Coding change: c.771del on transcript NM_024642.5 (MANE Select); coding-DNA position 771, one base deleted (T; older notation c.771delT).
Protein change: p.Ile257fs; shifts the reading frame from isoleucine 257.
Molecular consequence: frameshift variant.
Genome position (GRCh38, 1-based): chr9:98,831,811, T deleted; the last of 2 consecutive T bases (chr9:98,831,810-98,831,811); deleting either gives the same sequence. VCF-style (leftmost placement, unchanged base first): chr9-98831809-AT-A. GRCh37 (hg19) VCF-style: chr9-101594091-AT-A.
Other names: short protein forms I257fs.
Identifiers: ClinVar variation 3897957 (VCV003897957.1).
Genomic context (GRCh38, chr9:98,831,809, plus strand): 5'-ATGGATGTCTTGGGTGCTTTCAGGATCCATGAAGAGGAGTCGGCAGTGGTGTGCCCGGTG[AT>A]TGATGTGATCGACTGGAACACCTTCGAATACCTGGGGAACTCCGGGGAGCCCCAGATCGG-3'